The following is an entry in ClinVar:

NM_001166108.2(PALLD):c.1965-12812C>G

Gene: PALLD (palladin, cytoskeletal associated protein; plus strand). Cytogenetic location: 4q32.3.
Variant type: single nucleotide variant.
Coding change: c.1965-12812C>G on transcript NM_001166108.2 (MANE Select); 12812 bases into the intron before coding-DNA position 1965, C replaced by G.
Molecular consequence: intron variant. On other transcripts: missense variant (1).
Genome position (GRCh38, 1-based): chr4:168,878,110, C>G. VCF-style: chr4-168878110-C-G. GRCh37 (hg19) VCF-style: chr4-169799261-C-G.
Other names: c.219C>G, p.Phe73Leu (NM_001166110.2); c.1965-12812C>G (NM_016081.4); c.819-12812C>G (NM_001166109.2); c.-157-12812C>G (NM_001367570.1, NM_001367568.1, NM_001367567.1 and 1 more transcripts); short protein forms F73L.
Identifiers: ClinVar variation 4861563 (VCV004861563.1).
Genomic context (GRCh38, chr4:168,878,110, plus strand): 5'-CATGTCCCCGACGCCGAGGCAGTTCGGCCGCGCCCCCGTGCCGCCCTTCGCGCAGCCCTT[C>G]GGCGCTGAGCCCGAGGCCCCGTGGGGCTCCTCCTCGCCGTCGCCCCCGCCCCCGCCACCC-3'

ClinVar aggregate classification (germline): Uncertain significance (1 of 4 stars; one submission).

Submission:

Ambry Genetics
Classification: Uncertain significance. Last evaluated: 2026-05-22. Review status: criteria provided, single submitter. Criteria: Ambry Variant Classification Scheme 2023. Collection method: clinical testing. Allele origin: germline.
Comment: The p.F73L variant (also known as c.219C>G), located in coding exon 1 of the PALLD gene, results from a C to G substitution at nucleotide position 219. The phenylalanine at codon 73 is replaced by leucine, an amino acid with highly similar properties. This amino acid position is conserved. In addition, this alteration is predicted to be tolerated by in silico analysis. Based on the available evidence, the clinical significance of this variant remains unclear.